The following is an entry in ClinVar:

ClinVar aggregate classification (germline): Uncertain significance. Review status: reviewed by expert panel (3 of 4 stars). 2 submissions from 2 submitters: Uncertain significance (1). 1 of the submissions does not count toward it. Last evaluated 2025-08-01.

Conditions:
Malignant hyperthermia of anesthesia. Also called: Anesthesic-triggered malignant hyperthermia. Identifiers: Orphanet 423, MedGen C0024591, MONDO:0018493, HP:0034733.

Submissions (2):

ClinGen Malignant Hyperthermia Susceptibility Variant Curation Expert Panel, ClinGen
Classification: Uncertain significance for Malignant hyperthermia of anesthesia. Last evaluated: 2025-08-01. Review status: reviewed by expert panel. Criteria: ClinGen MHS ACMG Specifications V2. Collection method: curation. Allele origin: germline. Inheritance: Autosomal dominant inheritance.
Comment: This pathogenicity assessment is relevant only for malignant hyperthermia susceptibility (MHS) inherited in an autosomal dominant pattern. Variants in RYR1 can also cause other myopathies inherited in an autosomal dominant pattern or in an autosomal recessive pattern. Some of these disorders may predispose individuals to malignant hyperthermia. RYR1 variants may also contribute to a malignant hyperthermia reaction in combination with other genetic and non-genetic factors and the clinician needs to consider such factors in making management decisions. This sequence variant predicts a substitution of isoleucine with phenylalanine at codon 4817 of the RYR1 protein, p.(Ile4817Phe). This variant was not present in a large population database (gnomAD) at the time this variant was interpreted. This variant has been reported in an individual with a personal or family history of an MH episode and a positive in vitro contracture test (IVCT) or caffeine halothane contracture test (CHCT) result (if the proband was unavailable for testing, a positive diagnostic test result in a mutation-positive relative was counted), PS4_Supporting (PMID: 30236257). No functional studies were identified for this variant. This variant resides in a region of RYR1 considered to be a hotspot for pathogenic variants that contribute to MHS, PM1_Sup (PMID: 21118704). A REVEL score >0.85 (0.911) supports a pathogenic status for this variant, PP3_Moderate. This variant has been classified as a Variant of Unknown Significance. Criteria implemented: PS4_Supporting, PM1_Supporting, PP3_Moderate.

RYR1 database
No classification provided. Review status: no classification provided. Collection method: not provided. Allele origin: unknown. Not counted in ClinVar's aggregate classification.

NM_000540.3(RYR1):c.14449A>T (p.Ile4817Phe)

Gene: RYR1 (ryanodine receptor 1; plus strand). Cytogenetic location: 19q13.2.
Variant type: single nucleotide variant.
Coding change: c.14449A>T on transcript NM_000540.3 (MANE Select); coding-DNA position 14449, A replaced by T.
Protein change: p.Ile4817Phe; replaces isoleucine 4817 with phenylalanine.
Molecular consequence: missense variant.
Genome position (GRCh38, 1-based): chr19:38,580,066, A>T. VCF-style: chr19-38580066-A-T. GRCh37 (hg19) VCF-style: chr19-39070706-A-T.
Other names: c.14449A>T (NM_000540.2); c.14434A>T, p.Ile4812Phe (NM_001042723.2); short protein forms I4817F, I4812F.
Identifiers: ClinVar variation 133068 (VCV000133068.4), dbSNP rs143988412, ClinGen allele CA024143.